The following is an entry in ClinVar:

ClinVar aggregate classification (germline): Uncertain significance (1 of 4 stars; one submission).

Submission:

Labcorp Genetics (formerly Invitae), Labcorp
Classification: Uncertain significance. Last evaluated: 2022-07-25. Review status: criteria provided, single submitter. Criteria: Invitae Variant Classification Sherloc (09022015). Collection method: clinical testing. Allele origin: germline.
Comment: Experimental studies and prediction algorithms are not available or were not evaluated, and the functional significance of this variant is currently unknown. This variant has not been reported in the literature in individuals affected with MAPKAPK3-related conditions. This variant results in a copy number gain of the genomic region encompassing exon(s) 1-4 of the MAPKAPK3 gene. This region includes the initiator codon of the gene. This copy number gain extends beyond the assayed region for this gene and therefore may encompass additional genes. As the precise location of this event is unknown, it may be in tandem or it may be located elsewhere in the genome. In summary, the available evidence is currently insufficient to determine the role of this variant in disease. Therefore, it has been classified as a Variant of Uncertain Significance.

NC_000003.11:g.(?_50540629)_(50655235_?)dup

Genes: C3orf18 (chromosome 3 open reading frame 18; minus strand), CACNA2D2 (calcium voltage-gated channel auxiliary subunit alpha2delta 2; minus strand), CISH (cytokine inducible SH2 containing protein; minus strand), HEMK1 (HemK methyltransferase family member 1; plus strand), MAPKAPK3 (MAPK activated protein kinase 3; plus strand). Cytogenetic location: 3p21.31-21.2.
Variant type: Duplication.
Identifiers: ClinVar variation 1511582 (VCV001511582.5).